The following is an entry in ClinVar:

ClinVar aggregate classification (germline): Uncertain significance (1 of 4 stars; one submission).

Allele frequency attached by ClinVar (database versions not stated): ExAC 0.00001; gnomAD 0.00001; TOPMed 0.00002.
gnomAD v4.1: 12 of 1,614,012 alleles (0.00074%); highest among the groups gnomAD compares: East Asian, 0.0022%; no homozygotes.

Submission:

Labcorp Genetics (formerly Invitae), Labcorp
Classification: Uncertain significance. Last evaluated: 2022-07-15. Review status: criteria provided, single submitter. Criteria: Invitae Variant Classification Sherloc (09022015). Collection method: clinical testing. Allele origin: germline.
Comment: In summary, the available evidence is currently insufficient to determine the role of this variant in disease. Therefore, it has been classified as a Variant of Uncertain Significance. Algorithms developed to predict the effect of missense changes on protein structure and function are either unavailable or do not agree on the potential impact of this missense change (SIFT: "Not Available"; PolyPhen-2: "Benign"; Align-GVGD: "Not Available"). This variant has not been reported in the literature in individuals affected with COLGALT1-related conditions. This variant is present in population databases (rs776085467, gnomAD 0.01%). This sequence change replaces isoleucine, which is neutral and non-polar, with valine, which is neutral and non-polar, at codon 220 of the COLGALT1 protein (p.Ile220Val).

NM_024656.4(COLGALT1):c.658A>G (p.Ile220Val)

Gene: COLGALT1 (collagen beta(1-O)galactosyltransferase 1; plus strand). Cytogenetic location: 19p13.11.
Variant type: single nucleotide variant.
Coding change: c.658A>G on transcript NM_024656.4 (MANE Select); coding-DNA position 658, A replaced by G.
Protein change: p.Ile220Val; replaces isoleucine 220 with valine.
Molecular consequence: missense variant.
Genome position (GRCh38, 1-based): chr19:17,568,542, A>G. VCF-style: chr19-17568542-A-G. GRCh37 (hg19) VCF-style: chr19-17679351-A-G.
Other names: short protein forms I220V.
Identifiers: ClinVar variation 1978427 (VCV001978427.4), dbSNP rs776085467, ClinGen allele CA9296996.
Genomic context (GRCh38, chr19:17,568,542, plus strand): 5'-CGCGGAACTCTCGCTCTCTCCCCACAGGGCTACTACAAGCGCACACCTGCCTACATCCCT[A>G]TCCGCAAGCGAGACCGCCGGGGCTGCTTTGCAGTTCCCATGGTGCACTCGACCTTCCTGA-3'
Protein context (NP_078932.2, residues 210-230): YYKRTPAYIP[Ile220Val]RKRDRRGCFA